The following is an entry in ClinVar:

ClinVar aggregate classification (germline): Uncertain significance (1 of 4 stars; one submission).

Conditions:
Epidermolysis bullosa simplex 3, localized or generalized intermediate, with BP230 deficiency (EBS3). Also called: Epidermolysis bullosa simplex, autosomal recessive 2; Epidermolysis bullosa simplex due to BP230 deficiency. Identifiers: Orphanet 412181, MedGen C3809470, MONDO:0014180, OMIM 615425.
Hereditary sensory and autonomic neuropathy type 6. Also called: Neuropathy, hereditary sensory and autonomic, type VI; HSAN VI. Identifiers: Orphanet 314381, MedGen C3539003, MONDO:0013839, OMIM 614653.

Allele frequency attached by ClinVar (database versions not stated): gnomAD exomes below 0.00001; gnomAD 0.00001; TOPMed 0.00001.
gnomAD v4.1: 2 of 1,581,598 alleles (0.00013%); highest among the groups gnomAD compares: Non-Finnish European, 0.00017%; no homozygotes.

Submission:

Labcorp Genetics (formerly Invitae), Labcorp
Classification: Uncertain significance for Epidermolysis bullosa simplex 3, localized or generalized intermediate, with BP230 deficiency; Hereditary sensory and autonomic neuropathy type 6. Last evaluated: 2022-05-19. Review status: criteria provided, single submitter. Criteria: Invitae Variant Classification Sherloc (09022015). Collection method: clinical testing. Allele origin: germline.
Comment: This variant is not present in population databases (gnomAD no frequency). This variant has not been reported in the literature in individuals affected with DST-related conditions. Experimental studies and prediction algorithms are not available or were not evaluated, and the functional significance of this variant is currently unknown. In summary, the available evidence is currently insufficient to determine the role of this variant in disease. Therefore, it has been classified as a Variant of Uncertain Significance. This sequence change replaces aspartic acid, which is acidic and polar, with asparagine, which is neutral and polar, at codon 4677 of the DST protein (p.Asp4677Asn). The DST gene has multiple clinically relevant transcripts. This variant occurs in alternate transcript NM_015548.4, and corresponds to NM_001723.5:c.*141548G>A in the primary transcript.

NM_001374736.1(DST):c.21898G>A (p.Asp7300Asn)

Gene: DST (dystonin; minus strand). Cytogenetic location: 6p12.1.
Variant type: single nucleotide variant.
Coding change: c.21898G>A on transcript NM_001374736.1 (MANE Select); coding-DNA position 21898, G replaced by A.
Protein change: p.Asp7300Asn; replaces aspartic acid 7300 with asparagine.
Molecular consequence: missense variant.
Genome position (GRCh38, 1-based): chr6:56,473,969, C>T on the plus strand (G>A on the coding strand, the complement: DST is on the minus strand). VCF-style: chr6-56473969-C-T. GRCh37 (hg19) VCF-style: chr6-56338767-C-T.
Other names: c.15541G>A, p.Asp5181Asn (NM_001144769.5); c.15127G>A, p.Asp5043Asn (NM_001144770.2); c.21898G>A, p.Asp7300Asn (NM_001374722.1); c.20938G>A, p.Asp6980Asn (NM_001374729.1); c.14680G>A, p.Asp4894Asn (NM_001374730.1); c.21925G>A, p.Asp7309Asn (NM_001374734.1); c.15007G>A, p.Asp5003Asn (NM_001386100.1, NM_183380.4); c.14029G>A, p.Asp4677Asn (NM_015548.5); short protein forms D6980N, D7309N, D7300N, D4894N, D5003N, D5043N, D4677N, D5181N.
Identifiers: ClinVar variation 2161198 (VCV002161198.4), dbSNP rs1321046524, ClinGen allele CA364509702.